The following is an entry in ClinVar:

NM_000069.3(CACNA1S):c.383C>G (p.Thr128Ser)

Gene: CACNA1S (calcium voltage-gated channel subunit alpha1 S; minus strand). Cytogenetic location: 1q32.1.
Variant type: single nucleotide variant.
Coding change: c.383C>G on transcript NM_000069.3 (MANE Select); coding-DNA position 383, C replaced by G.
Protein change: p.Thr128Ser; replaces threonine 128 with serine.
Molecular consequence: missense variant.
Genome position (GRCh38, 1-based): chr1:201,093,897, G>C on the plus strand (C>G on the coding strand, the complement: CACNA1S is on the minus strand). VCF-style: chr1-201093897-G-C. GRCh37 (hg19) VCF-style: chr1-201063025-G-C.
Other names: short protein forms T128S.
Identifiers: ClinVar variation 254832 (VCV000254832.23), dbSNP rs139491817, ClinGen allele CA082871.
Genomic context (GRCh38, chr1:201,093,897, plus strand): 5'-CTCAGCGAGGGTCTGACCTTCAGTCTCCCCACACCCAGCTCTCACCCCAGGAAGACAATG[G>C]TGAAGTCCAGCACATTCCAGCCACTGCGCAGGTAAGCGTCCTGGTGGAATAAGAAGCCGT-3'
Protein context (NP_000060.2, residues 118-138): LRSGWNVLDF[Thr128Ser]IVFLGVFTVI

ClinVar aggregate classification (germline): Conflicting classifications of pathogenicity. Review status: criteria provided, conflicting classifications (1 of 4 stars). 9 submissions from 9 submitters: Uncertain significance (1); Benign (6); Likely benign (2). Last evaluated 2026-01-28.

Conditions:
Hypokalemic periodic paralysis, type 1. Also called: Hypokalemic Periodic Paralysis Type 1 (AD); HypoPP. Identifiers: Orphanet 681, MedGen C3714580, MONDO:0042979, OMIM 170400.
Malignant hyperthermia, susceptibility to, 5 (MHS5). Also called: CACNA1S-Related Malignant Hyperthermia Susceptibility. Identifiers: Orphanet 423, MedGen C1866077, MONDO:0011163, OMIM 601887.
Inborn genetic diseases. Identifiers: MedGen C0950123, MeSH D030342.

Allele frequency attached by ClinVar (database versions not stated): gnomAD exomes 0.00019 and 0.00055; ExAC 0.00071; gnomAD 0.00230 and 0.00246; TOPMed 0.00254; 1000 Genomes Project 0.00260; ESP Exome Variant Server 0.00277; 1000 Genomes Project 30x 0.00281.
gnomAD v4.1: 638 of 1,614,168 alleles (0.04%); highest among the groups gnomAD compares: African/African-American, 0.76%; 4 homozygotes.

Submissions (9):

Labcorp Genetics (formerly Invitae), Labcorp
Classification: Benign for Hypokalemic periodic paralysis, type 1; Malignant hyperthermia, susceptibility to, 5. Last evaluated: 2026-01-28. Review status: criteria provided, single submitter. Criteria: Invitae Variant Classification Sherloc (09022015). Collection method: clinical testing. Allele origin: germline.

Women's Health and Genetics/Laboratory Corporation of America, LabCorp
Classification: Benign. Last evaluated: 2025-04-22. Review status: criteria provided, single submitter. Criteria: LabCorp Variant Classification Summary - May 2015. Collection method: clinical testing. Allele origin: germline.
Comment: Variant summary: CACNA1S c.383C>G (p.Thr128Ser) results in a conservative amino acid change in the encoded protein sequence. Four of five in-silico tools predict a benign effect of the variant on protein function. The variant allele was found at a frequency of 0.00055 in 251488 control chromosomes, predominantly at a frequency of 0.0077 within the African or African-American subpopulation in the gnomAD database. The observed variant frequency within African or African-American control individuals in the gnomAD database is approximately 7 fold of the estimated maximal expected allele frequency for a pathogenic variant in CACNA1S causing Congenital Myopathy 18-AR phenotype (0.0011). To our knowledge, no occurrence of c.383C>G in individuals affected with Congenital Myopathy 18-AR and no experimental evidence demonstrating its impact on protein function have been reported. ClinVar contains an entry for this variant (Variation ID: 254832). Based on the evidence outlined above, the variant was classified as benign.

Blueprint Genetics
Classification: Likely benign. Last evaluated: 2024-11-19. Review status: criteria provided, single submitter. Criteria: ACMG Guidelines, 2015. Collection method: clinical testing. Allele origin: germline.

Athena Diagnostics
Classification: Benign. Last evaluated: 2023-12-29. Review status: criteria provided, single submitter. Criteria: Athena Diagnostics Criteria. Collection method: clinical testing. Allele origin: unknown.

Ambry Genetics
Classification: Uncertain significance for Inborn genetic diseases. Last evaluated: 2023-03-02. Review status: criteria provided, single submitter. Criteria: Ambry Variant Classification Scheme 2023. Collection method: clinical testing. Allele origin: germline.

Color Diagnostics, LLC DBA Color Health
Classification: Benign for Malignant hyperthermia, susceptibility to, 5. Last evaluated: 2022-10-19. Review status: criteria provided, single submitter. Criteria: ACMG Guidelines, 2015. Collection method: clinical testing. Allele origin: germline.

GeneDx
Classification: Likely benign. Last evaluated: 2020-04-17. Review status: criteria provided, single submitter. Criteria: GeneDx Variant Classification Process June 2021. Collection method: clinical testing. Allele origin: germline. Affected: yes.

Illumina Laboratory Services, Illumina
Classification: Benign for Hypokalemic periodic paralysis, type 1. Last evaluated: 2018-01-13. Review status: criteria provided, single submitter. Criteria: ICSL Variant Classification Criteria 13 December 2019. Collection method: clinical testing. Allele origin: germline.
Comment: This variant was observed in the ICSL laboratory as part of a predisposition screen in an ostensibly healthy population. It had not been previously curated by ICSL or reported in the Human Gene Mutation Database (HGMD: prior to June 1st, 2018), and was therefore a candidate for classification through an automated scoring system. Utilizing variant allele frequency, disease prevalence and penetrance estimates, and inheritance mode, an automated score was calculated to assess if this variant is too frequent to cause the disease. Based on the score and internal cut-off values, a variant classified as benign is not then subjected to further curation. The score for this variant resulted in a classification of benign for this disease.

PreventionGenetics, part of Exact Sciences
Classification: Benign. Review status: criteria provided, single submitter. Criteria: ACMG Guidelines, 2015. Collection method: clinical testing. Allele origin: germline.

Literature cited by the submitters: PubMed 30122538 (cited by Athena Diagnostics).